The following is an entry in ClinVar:

ClinVar aggregate classification (germline): Uncertain significance (1 of 4 stars; one submission).

Conditions:
Long QT syndrome (LQTS). Identifiers: MedGen C0023976, MeSH D008133, MONDO:0002442. Disease mechanism: loss of function. Inheritance: Various modes of inheritance.

gnomAD v4.1: 3 of 1,614,004 alleles (0.00019%); highest among the groups gnomAD compares: Non-Finnish European, 0.00017%; no homozygotes.

Submission:

Labcorp Genetics (formerly Invitae), Labcorp
Classification: Uncertain significance for Long QT syndrome. Last evaluated: 2025-02-07. Review status: criteria provided, single submitter. Criteria: Invitae Variant Classification Sherloc (09022015). Collection method: clinical testing. Allele origin: germline.
Comment: This sequence change replaces glutamine, which is neutral and polar, with proline, which is neutral and non-polar, at codon 3402 of the AKAP9 protein (p.Gln3402Pro). This variant is present in population databases (no rsID available, gnomAD 0.0009%). This variant has not been reported in the literature in individuals affected with AKAP9-related conditions. An algorithm developed to predict the effect of missense changes on protein structure and function (PolyPhen-2) suggests that this variant is likely to be disruptive. In summary, the available evidence is currently insufficient to determine the role of this variant in disease. Therefore, it has been classified as a Variant of Uncertain Significance.

NM_005751.5(AKAP9):c.10205A>C (p.Gln3402Pro)

Gene: AKAP9 (A-kinase anchoring protein 9; plus strand). Cytogenetic location: 7q21.2.
Variant type: single nucleotide variant.
Coding change: c.10205A>C on transcript NM_005751.5 (MANE Select); coding-DNA position 10205, A replaced by C.
Protein change: p.Gln3402Pro; replaces glutamine 3402 with proline.
Molecular consequence: missense variant.
Genome position (GRCh38, 1-based): chr7:92,097,164, A>C. VCF-style: chr7-92097164-A-C. GRCh37 (hg19) VCF-style: chr7-91726478-A-C.
Other names: c.4850A>C, p.Gln1617Pro (NM_001379277.1); c.10181A>C, p.Gln3394Pro (NM_147185.3); short protein forms Q1617P, Q3394P, Q3402P.
Identifiers: ClinVar variation 4808171 (VCV004808171.1).
Genomic context (GRCh38, chr7:92,097,164, plus strand): 5'-AAGATAGGCAGGTTCACAGGAAAACACTGCAGACAGAACAGGAGGCCAACACTGAGGGAC[A>C]GAAAAAAATGCATGAGCTCCAGTCCAAAGTGGAAGATCTTCAGCGCCAGCTGGAAGAGAA-3'
Protein context (NP_005742.4, residues 3392-3412): QTEQEANTEG[Gln3402Pro]KKMHELQSKV